The following is an entry in ClinVar:

ClinVar aggregate classification (germline): Uncertain significance (1 of 4 stars; one submission).

gnomAD v4.1: 1 of 1,602,642 alleles (0.000062%); highest among the groups gnomAD compares: South Asian, 0.0011%; no homozygotes.

Submission:

Ambry Genetics
Classification: Uncertain significance. Last evaluated: 2025-02-08. Review status: criteria provided, single submitter. Criteria: Ambry Variant Classification Scheme 2023. Collection method: clinical testing. Allele origin: germline.
Comment: The p.P1482S variant (also known as c.4444C>T), located in coding exon 19 of the WNK2 gene, results from a C to T substitution at nucleotide position 4444. The proline at codon 1482 is replaced by serine, an amino acid with similar properties. This amino acid position is conserved. In addition, this alteration is predicted to be tolerated by in silico analysis. Based on the available evidence, the clinical significance of this variant remains unclear.

NM_006648.4(WNK2):c.4444C>T (p.Pro1482Ser)

Gene: WNK2 (WNK lysine deficient protein kinase 2; plus strand). Cytogenetic location: 9q22.31.
Variant type: single nucleotide variant.
Coding change: c.4444C>T on transcript NM_006648.4 (MANE Select); coding-DNA position 4444, C replaced by T.
Protein change: p.Pro1482Ser; replaces proline 1482 with serine.
Molecular consequence: missense variant.
Genome position (GRCh38, 1-based): chr9:93,289,198, C>T. VCF-style: chr9-93289198-C-T. GRCh37 (hg19) VCF-style: chr9-96051480-C-T.
Other names: c.4555C>T, p.Pro1519Ser (NM_001282394.3); short protein forms P1482S, P1519S.
Identifiers: ClinVar variation 3817042 (VCV003817042.1).